The following is an entry in ClinVar:

ClinVar aggregate classification (germline): Uncertain significance (1 of 4 stars; one submission).

Allele frequency attached by ClinVar (database versions not stated): ExAC 0.00005; TOPMed 0.00006; gnomAD 0.00007; ESP Exome Variant Server 0.00008; gnomAD exomes 0.00013; 1000 Genomes Project 30x 0.00016; 1000 Genomes Project 0.00020.
gnomAD v4.1: 192 of 1,614,212 alleles (0.012%); highest among the groups gnomAD compares: Non-Finnish European, 0.016%; no homozygotes.

Submission:

Labcorp Genetics (formerly Invitae), Labcorp
Classification: Uncertain significance. Last evaluated: 2024-04-25. Review status: criteria provided, single submitter. Criteria: Invitae Variant Classification Sherloc (09022015). Collection method: clinical testing. Allele origin: germline.
Comment: This sequence change replaces phenylalanine, which is neutral and non-polar, with serine, which is neutral and polar, at codon 230 of the CRAT protein (p.Phe230Ser). This variant is present in population databases (rs372395394, gnomAD 0.009%). This variant has not been reported in the literature in individuals affected with CRAT-related conditions. Advanced modeling of protein sequence and biophysical properties (such as structural, functional, and spatial information, amino acid conservation, physicochemical variation, residue mobility, and thermodynamic stability) performed at Invitae indicates that this missense variant is not expected to disrupt CRAT protein function with a negative predictive value of 80%. In summary, the available evidence is currently insufficient to determine the role of this variant in disease. Therefore, it has been classified as a Variant of Uncertain Significance.

NM_000755.5(CRAT):c.689T>C (p.Phe230Ser)

Gene: CRAT (carnitine O-acetyltransferase; minus strand). Cytogenetic location: 9q34.11.
Variant type: single nucleotide variant.
Coding change: c.689T>C on transcript NM_000755.5 (MANE Select); coding-DNA position 689, T replaced by C.
Protein change: p.Phe230Ser; replaces phenylalanine 230 with serine.
Molecular consequence: missense variant.
Genome position (GRCh38, 1-based): chr9:129,101,999, A>G on the plus strand (T>C on the coding strand, the complement: CRAT is on the minus strand). VCF-style: chr9-129101999-A-G. GRCh37 (hg19) VCF-style: chr9-131864278-A-G.
Other names: c.626T>C, p.Phe209Ser (NM_001257363.3, NM_001346548.2, NM_004003.4); c.692T>C, p.Phe231Ser (NM_001346546.2); c.689T>C, p.Phe230Ser (NM_001346547.2); c.569T>C, p.Phe190Ser (NM_001346549.2); short protein forms F190S, F209S, F230S, F231S.
Identifiers: ClinVar variation 2920407 (VCV002920407.3), dbSNP rs372395394, ClinGen allele CA5275660.
Genomic context (GRCh38, chr9:129,101,999, plus strand): 5'-ATGCCCACAGGCTCCTTGTTGGTCTGTAGGGATGAGTTCCAGATCTTCTCCAGCTGCACA[A>G]AGATCTGATCCGCAGTGAGGGGTGTCCCGTCACTGTGGTACACATCCAGCTCAAAAAACT-3'
Protein context (NP_000746.3, residues 220-240): DGTPLTADQI[Phe230Ser]VQLEKIWNSS